The following is an entry in ClinVar:

ClinVar aggregate classification (germline): Pathogenic. Review status: reviewed by expert panel (3 of 4 stars). 2 submissions from 2 submitters: Pathogenic (1). 1 of the submissions does not count toward it. Last evaluated 2025-11-19.

Conditions:
CYP1B1-related glaucoma with or without anterior segment dysgenesis. Identifiers: MedGen CN375931, MONDO:0800472.
Glaucoma 3A. Also called: Glaucoma 3, primary congenital, A. Identifiers: Orphanet 98976, Orphanet 98977, MedGen C1856439, MONDO:0009277, OMIM 231300.

Allele frequency attached by ClinVar (database versions not stated): gnomAD exomes 0.00001 and below 0.00001.
gnomAD v4.1: 3 of 1,612,738 alleles (0.00019%); highest among the groups gnomAD compares: Non-Finnish European, 0.00017%; no homozygotes.

Submissions (2):

ClinGen Glaucoma Variant Curation Expert Panel
Classification: Pathogenic for CYP1B1-related glaucoma with or without anterior segment dysgenesis. Last evaluated: 2025-11-19. Review status: reviewed by expert panel. Criteria: ClinGen CYP1B1 ACMG Specifications V1 Approved. Collection method: curation. Allele origin: germline. Inheritance: Autosomal recessive inheritance.
Comment: The c.1044-2A>G variant in CYP1B1 is a single nucleotide splice site variant (p.?). The highest minor allele frequency of this variant was in the Ashkenazi Jewish genetic ancestry group of gnomAD (v4.1.0) = 0.00003379 (1 allele out of 29,594), which met the ≤ 0.0005 threshold set for PM2_Supporting in a genetic ancestry group of at least 2,000 alleles. This splice site variant was predicted to lead to exon skipping, intron inclusion or use of a cryptic splice site, disrupting the reading frame. It was not predicted to undergo NMD but removes the haem-binding domain (PVS1 met). There was no functional evidence predicting a damaging or benign impact of this variant on CYP1B1 function. This variant has been identified in an individual with a CYP1B1-related phenotype. Total proband points = 0.5, meeting PM3_Supporting. In summary, this variant met the criteria to receive a score of 10 and to be classified as pathogenic (pathogenic classification ≥ 10, adapted from PMID: 32720330) for CYP1B1-related glaucoma with or without anterior segment dysgenesis (ASD) based on the ACMG/AMP criteria met, as specified by the ClinGen Glaucoma VCEP (v1.0, 06.11.2025): PVS1, PM2_Supporting, PM3_Supporting

Neuberg Centre For Genomic Medicine, NCGM
Classification: Likely pathogenic for Glaucoma 3A. Review status: criteria provided, single submitter. Criteria: ACMG Guidelines, 2015. Collection method: clinical testing. Allele origin: germline. Affected: yes. Not counted in ClinVar's aggregate classification.
Comment: The splice acceptor variant c.1044-2A>G in CYP1B1 (NM_000104.3) has not been reported previously as a pathogenic variant nor as a benign variant, to our knowledge. The c.1044-2A>G variant is observed in 1/9,926 (0.0101%) alleles from individuals of Ashkenazi Jewish background in gnomAD Exomes and is novel (not in any individuals) in 1000 Genomes. This variant mutates a splice-acceptor sequence and in silico tools predict a damaging effect. Loss of function mutations have been previously reported to be disease causing. The current variant affects splicing of the last exon. Another mutation c.1044-3C>G has been reported before in compound heterozygote state in an affected patient (Lang E et al). Hence the above variant has been classified as Likely Pathogenic.

NM_000104.4(CYP1B1):c.1044-2A>G

Gene: CYP1B1 (cytochrome P450 family 1 subfamily B member 1; minus strand). Cytogenetic location: 2p22.2.
Variant type: single nucleotide variant.
Coding change: c.1044-2A>G on transcript NM_000104.4 (MANE Select); the canonical splice acceptor site of the intron before coding-DNA position 1044, A replaced by G.
Molecular consequence: splice acceptor variant.
Genome position (GRCh38, 1-based): chr2:38,071,312, T>C on the plus strand (A>G on the coding strand, the complement: CYP1B1 is on the minus strand). VCF-style: chr2-38071312-T-C. GRCh37 (hg19) VCF-style: chr2-38298455-T-C.
Identifiers: ClinVar variation 1339135 (VCV001339135.2), dbSNP rs1389588817, ClinGen allele CA346327979.